The following is an entry in ClinVar:

ClinVar aggregate classification (germline): Uncertain significance (1 of 4 stars; one submission).

Submission:

Labcorp Genetics (formerly Invitae), Labcorp
Classification: Uncertain significance. Last evaluated: 2021-06-28. Review status: criteria provided, single submitter. Criteria: Invitae Variant Classification Sherloc (09022015). Collection method: clinical testing. Allele origin: germline.
Comment: This sequence change replaces glutamine with leucine at codon 78 of the TYRP1 protein (p.Gln78Leu). The glutamine residue is weakly conserved and there is a moderate physicochemical difference between glutamine and leucine. This variant is not present in population databases (ExAC no frequency). This variant has not been reported in the literature in individuals affected with TYRP1-related conditions. Algorithms developed to predict the effect of missense changes on protein structure and function output the following: SIFT: "Tolerated"; PolyPhen-2: "Benign"; Align-GVGD: "Class C0". The leucine amino acid residue is found in multiple mammalian species, which suggests that this missense change does not adversely affect protein function. In summary, the available evidence is currently insufficient to determine the role of this variant in disease. Therefore, it has been classified as a Variant of Uncertain Significance.

NM_000550.3(TYRP1):c.233A>T (p.Gln78Leu)

Gene: TYRP1 (tyrosinase related protein 1; plus strand). Cytogenetic location: 9p23.
Variant type: single nucleotide variant.
Coding change: c.233A>T on transcript NM_000550.3 (MANE Select); coding-DNA position 233, A replaced by T.
Protein change: p.Gln78Leu; replaces glutamine 78 with leucine.
Molecular consequence: missense variant.
Genome position (GRCh38, 1-based): chr9:12,694,229, A>T. VCF-style: chr9-12694229-A-T. GRCh37 (hg19) VCF-style: chr9-12694229-A-T.
Other names: short protein forms Q78L.
Identifiers: ClinVar variation 1424811 (VCV001424811.8), dbSNP rs1416541339, ClinGen allele CA372936586.